The following is an entry in ClinVar:

ClinVar aggregate classification (germline): Uncertain significance. Review status: criteria provided, multiple submitters, no conflicts (2 of 4 stars). 2 submissions from 2 submitters: Uncertain significance (2). Last evaluated 2022-03-20.

Conditions:
Epidermolysis bullosa simplex 3, localized or generalized intermediate, with BP230 deficiency (EBS3). Also called: Epidermolysis bullosa simplex, autosomal recessive 2; Epidermolysis bullosa simplex due to BP230 deficiency. Identifiers: Orphanet 412181, MedGen C3809470, MONDO:0014180, OMIM 615425.
Hereditary sensory and autonomic neuropathy type 6. Also called: HSAN VI; Neuropathy, hereditary sensory and autonomic, type VI. Identifiers: Orphanet 314381, MedGen C3539003, MONDO:0013839, OMIM 614653.

Allele frequency attached by ClinVar (database versions not stated): TOPMed below 0.00001; gnomAD exomes 0.00001.
gnomAD v4.1: 8 of 1,613,810 alleles (0.0005%); highest among the groups gnomAD compares: South Asian, 0.0011%; no homozygotes.

Submissions (2):

Labcorp Genetics (formerly Invitae), Labcorp
Classification: Uncertain significance for Epidermolysis bullosa simplex 3, localized or generalized intermediate, with BP230 deficiency; Hereditary sensory and autonomic neuropathy type 6. Last evaluated: 2022-03-20. Review status: criteria provided, single submitter. Criteria: Invitae Variant Classification Sherloc (09022015). Collection method: clinical testing. Allele origin: germline.
Comment: The DST gene has multiple clinically relevant transcripts. This variant occurs in alternate transcript NM_015548.4, and corresponds to NM_001723.5:c.*58131T>C in the primary transcript. In summary, the available evidence is currently insufficient to determine the role of this variant in disease. Therefore, it has been classified as a Variant of Uncertain Significance. Experimental studies and prediction algorithms are not available or were not evaluated, and the functional significance of this variant is currently unknown. This variant has not been reported in the literature in individuals affected with DST-related conditions. This variant is not present in population databases (gnomAD no frequency). This sequence change replaces methionine, which is neutral and non-polar, with threonine, which is neutral and polar, at codon 2235 of the DST protein (p.Met2235Thr).

Mayo Clinic Laboratories, Mayo Clinic
Classification: Uncertain significance. Last evaluated: 2021-02-17. Review status: criteria provided, single submitter. Criteria: ACMG Guidelines, 2015. Collection method: clinical testing. Allele origin: germline. Observed: 1 variant allele.

NM_001374736.1(DST):c.14573T>C (p.Met4858Thr)

Gene: DST (dystonin; minus strand). Cytogenetic location: 6p12.1.
Variant type: single nucleotide variant.
Coding change: c.14573T>C on transcript NM_001374736.1 (MANE Select); coding-DNA position 14573, T replaced by C.
Protein change: p.Met4858Thr; replaces methionine 4858 with threonine.
Molecular consequence: missense variant.
Genome position (GRCh38, 1-based): chr6:56,557,386, A>G on the plus strand (T>C on the coding strand, the complement: DST is on the minus strand). VCF-style: chr6-56557386-A-G. GRCh37 (hg19) VCF-style: chr6-56422184-A-G.
Other names: c.8216T>C, p.Met2739Thr (NM_001144769.5); c.7802T>C, p.Met2601Thr (NM_001144770.2); c.14573T>C, p.Met4858Thr (NM_001374722.1); c.13940T>C, p.Met4647Thr (NM_001374729.1); c.7682T>C, p.Met2561Thr (NM_001374730.1, NM_001386100.1, NM_183380.4); c.14600T>C, p.Met4867Thr (NM_001374734.1); c.6704T>C, p.Met2235Thr (NM_015548.5); short protein forms M2235T, M2561T, M2601T, M2739T, M4647T, M4858T, M4867T.
Identifiers: ClinVar variation 1163461 (VCV001163461.8), dbSNP rs1031266084, ClinGen allele CA139208120.